The following is an entry in ClinVar:

ClinVar aggregate classification (germline): Uncertain significance (1 of 4 stars; one submission).

Conditions:
Combined immunodeficiency due to LRBA deficiency. Also called: Common variable immunodeficiency 8, with autoimmunity. Identifiers: Orphanet 445018, MedGen C3553512, MONDO:0013863, OMIM 614700.

Allele frequency attached by ClinVar (database versions not stated): gnomAD 0.00001; gnomAD exomes 0.00001; ExAC 0.00002; TOPMed 0.00002; ESP Exome Variant Server 0.00008.
gnomAD v4.1: 17 of 1,612,940 alleles (0.0011%); highest among the groups gnomAD compares: Non-Finnish European, 0.0014%; no homozygotes.

Submission:

Labcorp Genetics (formerly Invitae), Labcorp
Classification: Uncertain significance for Combined immunodeficiency due to LRBA deficiency. Last evaluated: 2021-12-08. Review status: criteria provided, single submitter. Criteria: Invitae Variant Classification Sherloc (09022015). Collection method: clinical testing. Allele origin: germline.
Comment: This sequence change replaces asparagine, which is neutral and polar, with serine, which is neutral and polar, at codon 2349 of the LRBA protein (p.Asn2349Ser). In summary, the available evidence is currently insufficient to determine the role of this variant in disease. Therefore, it has been classified as a Variant of Uncertain Significance. Algorithms developed to predict the effect of missense changes on protein structure and function are either unavailable or do not agree on the potential impact of this missense change (SIFT: "Tolerated"; PolyPhen-2: "Possibly Damaging"; Align-GVGD: "Class C0"). This variant has not been reported in the literature in individuals affected with LRBA-related conditions. This variant is present in population databases (rs144189042, gnomAD 0.002%).

NM_001364905.1(LRBA):c.7013A>G (p.Asn2338Ser)

Gene: LRBA (LPS responsive beige-like anchor protein; minus strand). Cytogenetic location: 4q31.3.
Variant type: single nucleotide variant.
Coding change: c.7013A>G on transcript NM_001364905.1 (MANE Select); coding-DNA position 7013, A replaced by G.
Protein change: p.Asn2338Ser; replaces asparagine 2338 with serine.
Molecular consequence: missense variant.
Genome position (GRCh38, 1-based): chr4:150,435,617, T>C on the plus strand (A>G on the coding strand, the complement: LRBA is on the minus strand). VCF-style: chr4-150435617-T-C. GRCh37 (hg19) VCF-style: chr4-151356769-T-C.
Other names: c.7013A>G, p.Asn2338Ser (NM_001199282.3, NM_001367550.1); c.7046A>G, p.Asn2349Ser (NM_006726.5); short protein forms N2338S, N2349S.
Identifiers: ClinVar variation 2145268 (VCV002145268.4), dbSNP rs144189042, ClinGen allele CA3101761.